The following is an entry in ClinVar:

NM_003465.3(CHIT1):c.119G>A (p.Arg40His)

Gene: CHIT1 (chitinase 1; minus strand). Cytogenetic location: 1q32.1.
Variant type: single nucleotide variant.
Coding change: c.119G>A on transcript NM_003465.3 (MANE Select); coding-DNA position 119, G replaced by A.
Protein change: p.Arg40His; replaces arginine 40 with histidine.
Molecular consequence: missense variant. On other transcripts: non-coding transcript variant (2).
Genome position (GRCh38, 1-based): chr1:203,225,807, C>T on the plus strand (G>A on the coding strand, the complement: CHIT1 is on the minus strand). VCF-style: chr1-203225807-C-T. GRCh37 (hg19) VCF-style: chr1-203194935-C-T.
Other names: c.119G>A, p.Arg40His (NM_001256125.2); short protein forms R40H.
Identifiers: ClinVar variation 558936 (VCV000558936.19), dbSNP rs35920428, ClinGen allele CA1340059.

ClinVar aggregate classification (germline): Benign. Review status: criteria provided, multiple submitters, no conflicts (2 of 4 stars). 4 submissions from 4 submitters: Benign (3). 1 of the submissions does not count toward it. Last evaluated 2026-01-28.

Conditions:
Chitotriosidase deficiency (CHITD). Identifiers: MedGen C3279902, OMIM 614122, MONDO:0013586.

Allele frequency attached by ClinVar (database versions not stated): gnomAD exomes 0.00354 and 0.00875; gnomAD 0.00936 and 0.01021; ExAC 0.00973; ESP Exome Variant Server 0.00984; TOPMed 0.01086; 1000 Genomes Project 30x 0.02280; 1000 Genomes Project 0.02356.

Submissions (4):

Labcorp Genetics (formerly Invitae), Labcorp
Classification: Benign for Chitotriosidase deficiency. Last evaluated: 2026-01-28. Review status: criteria provided, single submitter. Criteria: Invitae Variant Classification Sherloc (09022015). Collection method: clinical testing. Allele origin: germline.

Illumina Laboratory Services, Illumina
Classification: Benign for Chitotriosidase deficiency. Last evaluated: 2017-04-27. Review status: criteria provided, single submitter. Criteria: ICSL Variant Classification Criteria 13 December 2019. Collection method: clinical testing. Allele origin: germline.
Comment: This variant was observed as part of a predisposition screen in an ostensibly healthy population. A literature search was performed for the gene, cDNA change, and amino acid change (where applicable). Publications were found based on this search. The evidence from the literature, in combination with allele frequency data from public databases where available, was sufficient to rule this variant out of causing disease. Therefore, this variant is classified as benign.

Breakthrough Genomics
Classification: Benign. Review status: criteria provided, single submitter. Criteria: ACMG Guidelines, 2015. Collection method: not provided. Allele origin: germline. Inheritance: Autosomal recessive inheritance. Affected: yes.

Mayo Clinic Laboratories, Mayo Clinic
Classification: Benign. Last evaluated: 2017-09-26. Review status: no assertion criteria provided. Collection method: clinical testing. Allele origin: unknown. Not counted in ClinVar's aggregate classification.

Literature cited by the submitters: PubMed 27153562 (cited by Illumina Laboratory Services, Illumina).